The following is an entry in ClinVar:

ClinVar aggregate classification (germline): Uncertain significance (1 of 4 stars; one submission).

gnomAD v4.1: 3 of 1,591,512 alleles (0.00019%); highest among the groups gnomAD compares: Non-Finnish European, 0.00026%; no homozygotes.

Submission:

CeGaT Center for Human Genetics Tuebingen
Classification: Uncertain significance. Last evaluated: 2024-08-01. Review status: criteria provided, single submitter. Criteria: CeGaT Center For Human Genetics Tuebingen Variant Classification Criteria Version 2. Collection method: clinical testing. Allele origin: germline. Affected: yes. Observed: 1 variant allele.
Comment: SYK: PM2

NM_003177.7(SYK):c.64C>T (p.Arg22Trp)

Gene: SYK (spleen associated tyrosine kinase; plus strand). Cytogenetic location: 9q22.2.
Variant type: single nucleotide variant.
Coding change: c.64C>T on transcript NM_003177.7 (MANE Select); coding-DNA position 64, C replaced by T.
Protein change: p.Arg22Trp; replaces arginine 22 with tryptophan.
Molecular consequence: missense variant.
Genome position (GRCh38, 1-based): chr9:90,843,962, C>T. VCF-style: chr9-90843962-C-T. GRCh37 (hg19) VCF-style: chr9-93606244-C-T.
Other names: c.64C>T, p.Arg22Trp (NM_001135052.4, NM_001174167.3, NM_001174168.3); short protein forms R22W.
Identifiers: ClinVar variation 3342144 (VCV003342144.16).